The following is an entry in ClinVar:

ClinVar aggregate classification (germline): Conflicting classifications of pathogenicity. Review status: criteria provided, conflicting classifications (1 of 4 stars). 5 submissions from 5 submitters: Uncertain significance (3); Likely benign (2). Last evaluated 2025-05-05.

Conditions:
Inborn genetic diseases. Identifiers: MedGen C0950123, MeSH D030342.
Wilms tumor 1 (WT1). Also called: Wilms tumor, somatic. Identifiers: Orphanet 654, MedGen CN033288, MONDO:0008679, OMIM 194070.
Simpson-Golabi-Behmel syndrome type 1 (SGBS1). Also called: GPC3-Related Simpson-Golabi-Behmel Syndrome Type 1; SIMPSON DYSMORPHIA SYNDROME; BULLDOG SYNDROME; DYSPLASIA GIGANTISM SYNDROME, X-LINKED; GOLABI-ROSEN SYNDROME. Identifiers: Orphanet 373, MedGen C0796154, MONDO:0020602, OMIM 312870.

Allele frequency attached by ClinVar (database versions not stated): ExAC 0.00001; gnomAD exomes 0.00001; TOPMed 0.00002.
gnomAD v4.1: 9 of 1,209,104 alleles (0.00074%); highest among the groups gnomAD compares: Admixed American, 0.0022%; no homozygotes.

Submissions (5):

Labcorp Genetics (formerly Invitae), Labcorp
Classification: Likely benign for Wilms tumor 1. Last evaluated: 2025-05-05. Review status: criteria provided, single submitter. Criteria: Invitae Variant Classification Sherloc (09022015). Collection method: clinical testing. Allele origin: germline.

CeGaT Center for Human Genetics Tuebingen
Classification: Likely benign. Last evaluated: 2025-05-01. Review status: criteria provided, single submitter. Criteria: CeGaT Center For Human Genetics Tuebingen Variant Classification Criteria Version 2. Collection method: clinical testing. Allele origin: germline. Affected: yes. Observed: 1 variant allele.
Comment: GPC3: BP4, BS2

Women's Health and Genetics/Laboratory Corporation of America, LabCorp
Classification: Uncertain significance. Last evaluated: 2025-04-23. Review status: criteria provided, single submitter. Criteria: LabCorp Variant Classification Summary - May 2015. Collection method: clinical testing. Allele origin: germline.
Comment: Variant summary: GPC3 c.955G>A (p.Val319Ile) results in a conservative amino acid change in the encoded protein sequence. Three of five in-silico tools predict a benign effect of the variant on protein function. The variant allele was found at a frequency of 5.5e-06 in 183303 control chromosomes. The available data on variant occurrences in the general population are insufficient to allow any conclusion about variant significance. To our knowledge, no occurrence of c.955G>A in individuals affected with Simpson-Golabi-Behmel Syndrome, Type 1 and no experimental evidence demonstrating its impact on protein function have been reported. ClinVar contains an entry for this variant (Variation ID: 476670). Based on the evidence outlined above, the variant was classified as uncertain significance.

Ambry Genetics
Classification: Uncertain significance for Inborn genetic diseases. Last evaluated: 2025-01-02. Review status: criteria provided, single submitter. Criteria: Ambry Variant Classification Scheme 2023. Collection method: clinical testing. Allele origin: germline.

Fulgent Genetics
Classification: Uncertain significance for Wilms tumor 1; Simpson-Golabi-Behmel syndrome type 1. Last evaluated: 2024-04-15. Review status: criteria provided, single submitter. Criteria: ACMG Guidelines, 2015. Collection method: clinical testing. Allele origin: germline.

NM_004484.4(GPC3):c.955G>A (p.Val319Ile)

Gene: GPC3 (glypican 3; minus strand). Cytogenetic location: Xq26.2.
Variant type: single nucleotide variant.
Coding change: c.955G>A on transcript NM_004484.4 (MANE Select); coding-DNA position 955, G replaced by A.
Protein change: p.Val319Ile; replaces valine 319 with isoleucine.
Molecular consequence: missense variant.
Genome position (GRCh38, 1-based): chrX:133,753,559, C>T on the plus strand (G>A on the coding strand, the complement: GPC3 is on the minus strand). VCF-style: chrX-133753559-C-T. GRCh37 (hg19) VCF-style: chrX-132887586-C-T.
Other names: c.955G>A, p.Val319Ile (NM_001164617.2); c.907G>A, p.Val303Ile (NM_001164618.2); c.793G>A, p.Val265Ile (NM_001164619.2); short protein forms V319I, V303I, V265I.
Identifiers: ClinVar variation 476670 (VCV000476670.25), dbSNP rs753020197, ClinGen allele CA10520771.